The following is an entry in ClinVar:

ClinVar aggregate classification (germline): Uncertain significance. Review status: criteria provided, multiple submitters, no conflicts (2 of 4 stars). 2 submissions from 2 submitters: Uncertain significance (2). Last evaluated 2024-07-10.

Conditions:
Aortic aneurysm, familial thoracic 4 (AAT4). Also called: AORTIC ANEURYSM/AORTIC DISSECTION AND PATENT DUCTUS ARTERIOSUS. Identifiers: MedGen C1851504, MONDO:0007568, OMIM 132900.

Allele frequency attached by ClinVar (database versions not stated): gnomAD exomes below 0.00001; ExAC 0.00002.
gnomAD v4.1: 2 of 1,612,262 alleles (0.00012%); highest among the groups gnomAD compares: Non-Finnish European, 0.00017%; no homozygotes.

Submissions (2):

GeneDx
Classification: Uncertain significance. Last evaluated: 2024-07-10. Review status: criteria provided, single submitter. Criteria: GeneDx Variant Classification Process June 2021. Collection method: clinical testing. Allele origin: germline. Affected: yes.
Comment: Has not been previously published as pathogenic or benign to our knowledge; Not observed at significant frequency in large population cohorts (gnomAD); In silico analysis indicates that this missense variant does not alter protein structure/function

Labcorp Genetics (formerly Invitae), Labcorp
Classification: Uncertain significance for Aortic aneurysm, familial thoracic 4. Last evaluated: 2023-06-23. Review status: criteria provided, single submitter. Criteria: Invitae Variant Classification Sherloc (09022015). Collection method: clinical testing. Allele origin: germline.
Comment: In summary, the available evidence is currently insufficient to determine the role of this variant in disease. Therefore, it has been classified as a Variant of Uncertain Significance. Advanced modeling of protein sequence and biophysical properties (such as structural, functional, and spatial information, amino acid conservation, physicochemical variation, residue mobility, and thermodynamic stability) performed at Invitae indicates that this missense variant is not expected to disrupt MYH11 protein function. This variant has not been reported in the literature in individuals affected with MYH11-related conditions. This variant is present in population databases (rs753777214, gnomAD 0.006%). This sequence change replaces arginine, which is basic and polar, with lysine, which is basic and polar, at codon 1708 of the MYH11 protein (p.Arg1708Lys).

NM_002474.3(MYH11):c.5102G>A (p.Arg1701Lys)

Genes: MYH11 (myosin heavy chain 11; minus strand), NDE1 (nudE neurodevelopment protein 1; plus strand). Cytogenetic location: 16p13.11.
Variant type: single nucleotide variant.
Coding change: c.5102G>A on transcript NM_002474.3 (MANE Select); coding-DNA position 5102, G replaced by A.
Protein change: p.Arg1701Lys; replaces arginine 1701 with lysine.
Molecular consequence: missense variant. On other transcripts: intron variant (2).
Genome position (GRCh38, 1-based): chr16:15,719,289, C>T on the plus strand (G>A on the coding strand, the complement: MYH11 is on the minus strand). VCF-style: chr16-15719289-C-T. GRCh37 (hg19) VCF-style: chr16-15813146-C-T.
Other names: c.5123G>A, p.Arg1708Lys (NM_001040113.2, NM_001040114.2); c.5102G>A, p.Arg1701Lys (NM_022844.3); c.948-4902C>T (NM_001143979.2, NM_017668.3); c.5102G>A (NM_002474.2); short protein forms R1701K, R1708K.
Identifiers: ClinVar variation 2715447 (VCV002715447.4), dbSNP rs753777214, ClinGen allele CA7921419.